The following is an entry in ClinVar:

NM_000038.6(APC):c.8420C>A (p.Thr2807Asn)

Gene: APC (APC regulator of Wnt signaling pathway; plus strand). Cytogenetic location: 5q22.2.
Variant type: single nucleotide variant.
Coding change: c.8420C>A on transcript NM_000038.6 (MANE Select); coding-DNA position 8420, C replaced by A.
Protein change: p.Thr2807Asn; replaces threonine 2807 with asparagine.
Molecular consequence: missense variant.
Genome position (GRCh38, 1-based): chr5:112,844,014, C>A. VCF-style: chr5-112844014-C-A. GRCh37 (hg19) VCF-style: chr5-112179711-C-A.
Other names: c.8117C>A, p.Thr2706Asn (NM_001354903.2); c.8042C>A, p.Thr2681Asn (NM_001354904.2); c.7940C>A, p.Thr2647Asn (NM_001354905.2); c.7571C>A, p.Thr2524Asn (NM_001354906.2); c.8297C>A, p.Thr2766Asn (NM_001354900.2); c.8243C>A, p.Thr2748Asn (NM_001354901.2); c.8147C>A, p.Thr2716Asn (NM_001354902.2); c.8420C>A, p.Thr2807Asn (NM_001127510.3, NM_001354895.2); and 5 more; short protein forms T2789N, T2807N, T2647N, T2681N, T2716N, T2748N, T2782N, T2706N.
Identifiers: ClinVar variation 574606 (VCV000574606.15), dbSNP rs1561623041, ClinGen allele CA16039600.

ClinVar aggregate classification (germline): Uncertain significance. Review status: criteria provided, multiple submitters, no conflicts (2 of 4 stars). 3 submissions from 3 submitters: Uncertain significance (3). Last evaluated 2025-04-10.

Conditions:
Familial adenomatous polyposis 1 (FAP1). Also called: POLYPOSIS, ADENOMATOUS INTESTINAL; FAMILIAL ADENOMATOUS POLYPOSIS 1, ATTENUATED. Identifiers: MedGen C2713442, MONDO:0021056, OMIM 175100. Disease mechanism: loss of function.
Hereditary cancer-predisposing syndrome. Also called: Neoplastic Syndromes, Hereditary; Hereditary Cancer Syndrome; Tumor predisposition; Hereditary neoplastic syndrome. Identifiers: Orphanet 140162, MedGen C0027672, MeSH D009386, MONDO:0015356.

Submissions (3):

Ambry Genetics
Classification: Uncertain significance for Hereditary cancer-predisposing syndrome. Last evaluated: 2025-04-10. Review status: criteria provided, single submitter. Criteria: Ambry Variant Classification Scheme 2023. Collection method: clinical testing. Allele origin: germline.
Comment: The p.T2807N variant (also known as c.8420C>A), located in coding exon 15 of the APC gene, results from a C to A substitution at nucleotide position 8420. The threonine at codon 2807 is replaced by asparagine, an amino acid with similar properties. This amino acid position is highly conserved in available vertebrate species. In addition, in silico predictors for this gene do not accurately predict pathogenicity. Since supporting evidence is limited at this time, the clinical significance of this alteration remains unclear.

Labcorp Genetics (formerly Invitae), Labcorp
Classification: Uncertain significance for Familial adenomatous polyposis 1. Last evaluated: 2024-06-18. Review status: criteria provided, single submitter. Criteria: Invitae Variant Classification Sherloc (09022015). Collection method: clinical testing. Allele origin: germline.
Comment: This sequence change replaces threonine, which is neutral and polar, with asparagine, which is neutral and polar, at codon 2807 of the APC protein (p.Thr2807Asn). This variant is not present in population databases (gnomAD no frequency). This variant has not been reported in the literature in individuals affected with APC-related conditions. ClinVar contains an entry for this variant (Variation ID: 574606). Advanced modeling of protein sequence and biophysical properties (such as structural, functional, and spatial information, amino acid conservation, physicochemical variation, residue mobility, and thermodynamic stability) performed at Invitae indicates that this missense variant is not expected to disrupt APC protein function with a negative predictive value of 95%. In summary, the available evidence is currently insufficient to determine the role of this variant in disease. Therefore, it has been classified as a Variant of Uncertain Significance.

Baylor Genetics
Classification: Uncertain significance for Familial adenomatous polyposis 1. Last evaluated: 2024-03-01. Review status: criteria provided, single submitter. Criteria: ACMG Guidelines, 2015. Collection method: clinical testing. Allele origin: unknown.